The following is an entry in ClinVar:

NM_022437.3(ABCG8):c.2015A>T (p.Asp672Val)

Gene: ABCG8 (ATP binding cassette subfamily G member 8; plus strand). Cytogenetic location: 2p21.
Variant type: single nucleotide variant.
Coding change: c.2015A>T on transcript NM_022437.3 (MANE Select); coding-DNA position 2015, A replaced by T.
Protein change: p.Asp672Val; replaces aspartic acid 672 with valine.
Molecular consequence: missense variant.
Genome position (GRCh38, 1-based): chr2:43,877,906, A>T. VCF-style: chr2-43877906-A-T. GRCh37 (hg19) VCF-style: chr2-44105045-A-T.
Other names: c.2012A>T, p.Asp671Val (NM_001357321.2); short protein forms D671V, D672V.
Identifiers: ClinVar variation 3890081 (VCV003890081.1).

ClinVar aggregate classification (germline): Uncertain significance (1 of 4 stars; one submission).

Conditions:
Cardiovascular phenotype. Identifiers: MedGen CN230736.

gnomAD v4.1: 6 of 1,614,018 alleles (0.00037%); highest among the groups gnomAD compares: Non-Finnish European, 0.00051%; no homozygotes.

Submission:

Ambry Genetics
Classification: Uncertain significance for Cardiovascular phenotype. Last evaluated: 2025-02-01. Review status: criteria provided, single submitter. Criteria: Ambry Variant Classification Scheme 2023. Collection method: clinical testing. Allele origin: germline.
Comment: The p.D672V variant (also known as c.2015A>T), located in coding exon 13 of the ABCG8 gene, results from an A to T substitution at nucleotide position 2015. The aspartic acid at codon 672 is replaced by valine, an amino acid with highly dissimilar properties. This amino acid position is conserved. In addition, the in silico prediction for this alteration is inconclusive. Based on the available evidence, the clinical significance of this variant remains unclear.